The following is an entry in ClinVar:

NM_001369.3(DNAH5):c.464C>T (p.Ala155Val)

Gene: DNAH5 (dynein axonemal heavy chain 5; minus strand). Cytogenetic location: 5p15.2.
Variant type: single nucleotide variant.
Coding change: c.464C>T on transcript NM_001369.3 (MANE Select); coding-DNA position 464, C replaced by T.
Protein change: p.Ala155Val; replaces alanine 155 with valine.
Molecular consequence: missense variant.
Genome position (GRCh38, 1-based): chr5:13,922,303, G>A on the plus strand (C>T on the coding strand, the complement: DNAH5 is on the minus strand). VCF-style: chr5-13922303-G-A. GRCh37 (hg19) VCF-style: chr5-13922412-G-A.
Other names: c.464C>T (NM_001369.2); short protein forms A155V.
Identifiers: ClinVar variation 2143305 (VCV002143305.8), dbSNP rs148837179, ClinGen allele CA3205171.

ClinVar aggregate classification (germline): Conflicting classifications of pathogenicity. Review status: criteria provided, conflicting classifications (1 of 4 stars). 4 submissions from 4 submitters: Uncertain significance (1); Benign (1); Likely benign (2). Last evaluated 2024-09-19.

Conditions:
Primary ciliary dyskinesia 3. Identifiers: Orphanet 244, MedGen C1837618, MONDO:0012085, OMIM 608644.
Primary ciliary dyskinesia. Also called: Ciliary dyskinesia. Identifiers: Orphanet 244, MedGen C0008780, MONDO:0016575, HP:0012265.

Allele frequency attached by ClinVar (database versions not stated): ExAC 0.00004; gnomAD 0.00008; ESP Exome Variant Server 0.00023.
gnomAD v4.1: 40 of 1,613,784 alleles (0.0025%); highest among the groups gnomAD compares: African/African-American, 0.013%; no homozygotes.

Submissions (4):

Blueprint Genetics
Classification: Likely benign. Last evaluated: 2024-09-19. Review status: criteria provided, single submitter. Criteria: ACMG Guidelines, 2015. Collection method: clinical testing. Allele origin: germline.

Labcorp Genetics (formerly Invitae), Labcorp
Classification: Benign for Primary ciliary dyskinesia. Last evaluated: 2024-02-18. Review status: criteria provided, single submitter. Criteria: Invitae Variant Classification Sherloc (09022015). Collection method: clinical testing. Allele origin: germline.

ARUP Laboratories, Molecular Genetics and Genomics, ARUP Laboratories
Classification: Uncertain significance for Primary ciliary dyskinesia 3. Last evaluated: 2023-10-03. Review status: criteria provided, single submitter. Criteria: ARUP Molecular Germline Variant Investigation Process 2024. Collection method: clinical testing. Allele origin: germline.
Comment: The DNAH5 c.464C>T; p.Ala155Val variant (rs148837179), to our knowledge, is not reported in the medical literature but is reported in ClinVar (Variation ID: 2143305). This variant is observed in the general population with an overall allele frequency of 0.004% (11/281750 alleles) in the Genome Aggregation Database. Computational analyses predict that this variant is neutral (REVEL: 0.076). Due to limited information, the clinical significance of this variant is uncertain at this time.

Ambry Genetics
Classification: Likely benign for Primary ciliary dyskinesia. Last evaluated: 2022-12-14. Review status: criteria provided, single submitter. Criteria: Ambry Variant Classification Scheme 2023. Collection method: clinical testing. Allele origin: germline.